The following is an entry in ClinVar:

NM_025216.3(WNT10A):c.434T>C (p.Val145Ala)

Gene: WNT10A (Wnt family member 10A; plus strand). Cytogenetic location: 2q35.
Variant type: single nucleotide variant.
Coding change: c.434T>C on transcript NM_025216.3 (MANE Select); coding-DNA position 434, T replaced by C.
Protein change: p.Val145Ala; replaces valine 145 with alanine.
Molecular consequence: missense variant.
Genome position (GRCh38, 1-based): chr2:218,890,041, T>C. VCF-style: chr2-218890041-T-C. GRCh37 (hg19) VCF-style: chr2-219754763-T-C.
Other names: short protein forms V145A.
Identifiers: ClinVar variation 2174339 (VCV002174339.1), dbSNP rs776959830, ClinGen allele CA2113930.

ClinVar aggregate classification (germline): Uncertain significance (1 of 4 stars; one submission).

Conditions:
Tooth agenesis, selective, 4 (STHAG4). Also called: SUCCEDANEOUS TEETH, AGENESIS OF; TOOTH AGENESIS, SELECTIVE, 4, WITH OR WITHOUT ECTODERMAL DYSPLASIA; LATERAL INCISORS, ABSENCE OF; LATERAL INCISORS, PEGGED OR MISSING. Identifiers: Orphanet 99798, MedGen C1835492, MONDO:0007881, OMIM 150400. Disease mechanism: loss of function.
Odonto-onycho-dermal dysplasia. Identifiers: Orphanet 2721, MedGen C0796093, MONDO:0009773, OMIM 257980.

Allele frequency attached by ClinVar (database versions not stated): gnomAD exomes below 0.00001; ExAC 0.00002.
gnomAD v4.1: 5 of 1,614,002 alleles (0.00031%); highest among the groups gnomAD compares: East Asian, 0.0089%; no homozygotes.

Submission:

Labcorp Genetics (formerly Invitae), Labcorp
Classification: Uncertain significance for Tooth agenesis, selective, 4; Odonto-onycho-dermal dysplasia. Last evaluated: 2021-09-17. Review status: criteria provided, single submitter. Criteria: Invitae Variant Classification Sherloc (09022015). Collection method: clinical testing. Allele origin: germline.
Comment: This sequence change replaces valine with alanine at codon 145 of the WNT10A protein (p.Val145Ala). The valine residue is highly conserved and there is a small physicochemical difference between valine and alanine. This variant is present in population databases (rs776959830, ExAC 0.02%). This variant has not been reported in the literature in individuals affected with WNT10A-related conditions. Algorithms developed to predict the effect of missense changes on protein structure and function (SIFT, PolyPhen-2, Align-GVGD) all suggest that this variant is likely to be disruptive. In summary, the available evidence is currently insufficient to determine the role of this variant in disease. Therefore, it has been classified as a Variant of Uncertain Significance.